The following is an entry in ClinVar:

ClinVar aggregate classification (germline): Uncertain significance (1 of 4 stars; one submission).

gnomAD v4.1: 5 of 1,614,140 alleles (0.00031%); highest among the groups gnomAD compares: Non-Finnish European, 0.00042%; no homozygotes.

Submission:

Labcorp Genetics (formerly Invitae), Labcorp
Classification: Uncertain significance. Last evaluated: 2025-10-08. Review status: criteria provided, single submitter. Criteria: Invitae Variant Classification Sherloc (09022015). Collection method: clinical testing. Allele origin: germline.
Comment: This sequence change replaces glutamine, which is neutral and polar, with arginine, which is basic and polar, at codon 2439 of the FN1 protein (p.Gln2439Arg). This variant is present in population databases (rs763627375, gnomAD 0.0009%). This variant has not been reported in the literature in individuals affected with FN1-related conditions. An algorithm developed to predict the effect of missense changes on protein structure and function (PolyPhen-2) suggests that this variant is likely to be tolerated. In summary, the available evidence is currently insufficient to determine the role of this variant in disease. Therefore, it has been classified as a Variant of Uncertain Significance.

NM_212482.4(FN1):c.7316A>G (p.Gln2439Arg)

Genes: ATIC (5-aminoimidazole-4-carboxamide ribonucleotide formyltransferase/IMP cyclohydrolase; plus strand), FN1 (fibronectin 1; minus strand). Cytogenetic location: 2q35.
Variant type: single nucleotide variant.
Coding change: c.7316A>G on transcript NM_212482.4 (MANE Select); coding-DNA position 7316, A replaced by G.
Protein change: p.Gln2439Arg; replaces glutamine 2439 with arginine.
Molecular consequence: missense variant.
Genome position (GRCh38, 1-based): chr2:215,362,015, T>C on the plus strand (A>G on the coding strand, the complement: FN1 is on the minus strand). VCF-style: chr2-215362015-T-C. GRCh37 (hg19) VCF-style: chr2-216226738-T-C.
Other names: c.7223A>G, p.Gln2408Arg (NM_001306129.2); c.6686A>G, p.Gln2229Arg (NM_001306130.2); c.6680A>G, p.Gln2227Arg (NM_001306131.2); c.6605A>G, p.Gln2202Arg (NM_001306132.2); c.7046A>G, p.Gln2349Arg (NM_001365517.2); c.7043A>G, p.Gln2348Arg (NM_001365518.2); c.6971A>G, p.Gln2324Arg (NM_001365519.2); c.6968A>G, p.Gln2323Arg (NM_001365520.2); and 8 more; short protein forms Q2138R, Q2227R, Q2293R, Q2318R, Q2348R, Q2439R, Q2202R, Q2228R.
Identifiers: ClinVar variation 4703779 (VCV004703779.1).
Genomic context (GRCh38, chr2:215,362,015, plus strand): 5'-GCTAATGCACTTACAGTGTTTGTTCTCTGATGGTATCTCTGAGAATACTGGTTGTAGGAC[T>C]GGCCAGTAGTGCCTTCGGGACTGGGTTCACCCCCAGGTCTGCGGCAGTTGTCACAGCGCC-3'
Protein context (NP_997647.2, residues 2429-2449): GEPSPEGTTG[Gln2439Arg]SYNQYSQRYH